The following is an entry in ClinVar:

NM_022081.6(HPS4):c.1370G>C (p.Arg457Thr)

Gene: HPS4 (HPS4 biogenesis of lysosomal organelles complex 3 subunit 2; minus strand). Cytogenetic location: 22q12.1.
Variant type: single nucleotide variant.
Coding change: c.1370G>C on transcript NM_022081.6 (MANE Select); coding-DNA position 1370, G replaced by C.
Protein change: p.Arg457Thr; replaces arginine 457 with threonine.
Molecular consequence: missense variant. On other transcripts: non-coding transcript variant (8).
Genome position (GRCh38, 1-based): chr22:26,464,260, C>G on the plus strand (G>C on the coding strand, the complement: HPS4 is on the minus strand). VCF-style: chr22-26464260-C-G. GRCh37 (hg19) VCF-style: chr22-26860226-C-G.
Other names: c.1370G>C, p.Arg457Thr (NM_001349896.1, NM_001349898.2, NM_001349899.2 and 5 more transcripts); c.1424G>C, p.Arg475Thr (NM_001349900.2, NM_001349901.1); c.1355G>C, p.Arg452Thr (NM_152841.2); short protein forms R452T, R457T, R475T.
Identifiers: ClinVar variation 3602804 (VCV003602804.1).

ClinVar aggregate classification (germline): Uncertain significance (1 of 4 stars; one submission).

gnomAD v4.1: 10 of 1,614,016 alleles (0.00062%); highest among the groups gnomAD compares: Non-Finnish European, 0.00076%; no homozygotes.

Submission:

GeneDx
Classification: Uncertain significance. Last evaluated: 2024-08-06. Review status: criteria provided, single submitter. Criteria: GeneDx Variant Classification Process June 2021. Collection method: clinical testing. Allele origin: germline. Affected: yes.
Comment: Not observed at significant frequency in large population cohorts (gnomAD); In silico analysis indicates that this missense variant does not alter protein structure/function; Has not been previously published as pathogenic or benign to our knowledge